The following is an entry in ClinVar:

ClinVar aggregate classification (germline): Uncertain significance. Review status: criteria provided, single submitter (1 of 4 stars). 2 submissions from 2 submitters: Uncertain significance (1). 1 of the submissions does not count toward it. Last evaluated 2025-04-28.

Conditions:
BMPR1B-related disorder. Also called: BMPR1B-related condition.
Acromesomelic dysplasia 3 (AMD3). Also called: Acromesomelic dysplasia, Demirhan type; CHONDRODYSPLASIA, ACROMESOMELIC, WITH OR WITHOUT GENITAL ANOMALIES. Identifiers: MedGen C4225404, MONDO:0012274, OMIM 609441.
Type A2 brachydactyly (BDA2). Also called: MOHR-WRIEDT TYPE BRACHYDACTYLY; BRACHYMESOPHALANGY II; Brachymesophalangy type 2. Identifiers: Orphanet 93396, MedGen C1832702, MONDO:0007216, OMIM 112600, HP:0009372.

Allele frequency attached by ClinVar (database versions not stated): gnomAD 0.00006; TOPMed 0.00008; ExAC 0.00020.
gnomAD v4.1: 161 of 1,611,746 alleles (0.01%); highest among the groups gnomAD compares: South Asian, 0.034%; no homozygotes.

Submissions (2):

Labcorp Genetics (formerly Invitae), Labcorp
Classification: Uncertain significance for Type A2 brachydactyly; Acromesomelic dysplasia 3. Last evaluated: 2025-04-28. Review status: criteria provided, single submitter. Criteria: Invitae Variant Classification Sherloc (09022015). Collection method: clinical testing. Allele origin: germline.
Comment: This sequence change replaces arginine, which is basic and polar, with tryptophan, which is neutral and slightly polar, at codon 456 of the BMPR1B protein (p.Arg456Trp). This variant is present in population databases (rs780280883, gnomAD 0.05%). This variant has not been reported in the literature in individuals affected with BMPR1B-related conditions. ClinVar contains an entry for this variant (Variation ID: 1046226). Invitae Evidence Modeling of protein sequence and biophysical properties (such as structural, functional, and spatial information, amino acid conservation, physicochemical variation, residue mobility, and thermodynamic stability) indicates that this missense variant is not expected to disrupt BMPR1B protein function with a negative predictive value of 80%. In summary, the available evidence is currently insufficient to determine the role of this variant in disease. Therefore, it has been classified as a Variant of Uncertain Significance.

PreventionGenetics, part of Exact Sciences
Classification: Uncertain significance for BMPR1B-related condition. Last evaluated: 2024-06-20. Review status: no assertion criteria provided. Collection method: clinical testing. Allele origin: germline. Not counted in ClinVar's aggregate classification.
Comment: The BMPR1B c.1366C>T variant is predicted to result in the amino acid substitution p.Arg456Trp. This variant has been reported in an individual with osteopenia and atypical femur fracture, who also carried variant in SLC9A3R1 gene (Table 1, Marini et al. 2023. PubMed ID: 36762943). This variant is reported in 0.054% of alleles in individuals of South Asian descent in gnomAD. Although we suspect, that this variant may be benign, at this time, the clinical significance of this variant is uncertain due to the absence of conclusive functional and genetic evidence.

NM_001203.3(BMPR1B):c.1366C>T (p.Arg456Trp)

Gene: BMPR1B (bone morphogenetic protein receptor type 1B; plus strand). Cytogenetic location: 4q22.3.
Variant type: single nucleotide variant.
Coding change: c.1366C>T on transcript NM_001203.3 (MANE Select); coding-DNA position 1366, C replaced by T.
Protein change: p.Arg456Trp; replaces arginine 456 with tryptophan.
Molecular consequence: missense variant.
Genome position (GRCh38, 1-based): chr4:95,152,756, C>T. VCF-style: chr4-95152756-C-T. GRCh37 (hg19) VCF-style: chr4-96073907-C-T.
Other names: c.1366C>T, p.Arg456Trp (NM_001256792.2, NM_001256794.1); c.1456C>T, p.Arg486Trp (NM_001256793.2); c.1366C>T (NM_001203.2); short protein forms R486W, R456W.
Identifiers: ClinVar variation 1046226 (VCV001046226.10), dbSNP rs780280883, ClinGen allele CA3015229.